The following is an entry in ClinVar:

NM_017617.5(NOTCH1):c.1904-3C>T

Gene: NOTCH1 (notch receptor 1; minus strand). Cytogenetic location: 9q34.3.
Variant type: single nucleotide variant.
Coding change: c.1904-3C>T on transcript NM_017617.5 (MANE Select); 3 bases into the intron before coding-DNA position 1904, C replaced by T.
Molecular consequence: intron variant.
Genome position (GRCh38, 1-based): chr9:136,515,403, G>A on the plus strand (C>T on the coding strand, the complement: NOTCH1 is on the minus strand). VCF-style: chr9-136515403-G-A. GRCh37 (hg19) VCF-style: chr9-139409855-G-A.
Other names: c.1904-3C>T (NM_017617.3).
Identifiers: ClinVar variation 1403320 (VCV001403320.7), dbSNP rs748118679, ClinGen allele CA591367288.
Genomic context (GRCh38, chr9:136,515,403, plus strand): 5'-GTGCCCGAGTCGCAGGGGCTGCTGGCACAGTCATCCAGGTTGATCTCGCAGTTGGGTCCT[G>A]AAGGGGTGGCACGTGTCGGTCAGTCCTCAGGCCCGCCCTGCCCACTGGCCCCCCGCCGGC-3'

ClinVar aggregate classification (germline): Uncertain significance. Review status: criteria provided, multiple submitters, no conflicts (2 of 4 stars). 2 submissions from 2 submitters: Uncertain significance (2). Last evaluated 2025-01-31.

Conditions:
Familial thoracic aortic aneurysm and aortic dissection (TAAD). Also called: Thoracic aortic aneurysms and dissections. Identifiers: Orphanet 91387, MedGen C4707243, MONDO:0019625.
Adams-Oliver syndrome 5 (AOS5). Identifiers: Orphanet 974, MedGen C4014970, MONDO:0014459, OMIM 616028.

gnomAD v4.1: 8 of 1,612,762 alleles (0.0005%); highest among the groups gnomAD compares: Non-Finnish European, 0.00068%; no homozygotes.

Submissions (2):

Ambry Genetics
Classification: Uncertain significance for Familial thoracic aortic aneurysm and aortic dissection. Last evaluated: 2025-01-31. Review status: criteria provided, single submitter. Criteria: Ambry Variant Classification Scheme 2023. Collection method: clinical testing. Allele origin: germline.
Comment: The c.1904-3C>T intronic variant results from a C to T substitution 3 nucleotides upstream from coding exon 12 in the NOTCH1 gene. This nucleotide position is well conserved in available vertebrate species. In silico splice site analysis predicts that this alteration will not have any significant effect on splicing. Based on the available evidence, the clinical significance of this variant remains unclear.

Labcorp Genetics (formerly Invitae), Labcorp
Classification: Uncertain significance for Adams-Oliver syndrome 5. Last evaluated: 2023-04-22. Review status: criteria provided, single submitter. Criteria: Invitae Variant Classification Sherloc (09022015). Collection method: clinical testing. Allele origin: germline.
Comment: In summary, the available evidence is currently insufficient to determine the role of this variant in disease. Therefore, it has been classified as a Variant of Uncertain Significance. Variants that disrupt the consensus splice site are a relatively common cause of aberrant splicing (PMID: 17576681, 9536098). Algorithms developed to predict the effect of sequence changes on RNA splicing suggest that this variant is not likely to affect RNA splicing. ClinVar contains an entry for this variant (Variation ID: 1403320). This variant has not been reported in the literature in individuals affected with NOTCH1-related conditions. This variant is present in population databases (no rsID available, gnomAD 0.01%). This sequence change falls in intron 11 of the NOTCH1 gene. It does not directly change the encoded amino acid sequence of the NOTCH1 protein. It affects a nucleotide within the consensus splice site.

Literature cited by the submitters: PubMed 17576681 (cited by Labcorp Genetics (formerly Invitae), Labcorp); PubMed 9536098 (cited by Labcorp Genetics (formerly Invitae), Labcorp).